The following is an entry in ClinVar:

NM_001377.3(DYNC2H1):c.11383-289A>T

Gene: DYNC2H1 (dynein cytoplasmic 2 heavy chain 1; plus strand). Cytogenetic location: 11q22.3.
Variant type: single nucleotide variant.
Coding change: c.11383-289A>T on transcript NM_001377.3 (MANE Select); 289 bases into the intron before coding-DNA position 11383, A replaced by T.
Molecular consequence: intron variant.
Genome position (GRCh38, 1-based): chr11:103,307,432, A>T. VCF-style: chr11-103307432-A-T. GRCh37 (hg19) VCF-style: chr11-103178161-A-T.
Other names: NC_000011.9:g.103178161A>T; c.11404-289A>T (NM_001080463.2).
Identifiers: ClinVar variation 669458 (VCV000669458.2), dbSNP rs72975630, ClinGen allele CA15700347.

ClinVar aggregate classification (germline): Benign (1 of 4 stars; one submission).

Allele frequency attached by ClinVar (database versions not stated): 1000 Genomes Project 0.03435; 1000 Genomes Project 30x 0.03498; gnomAD 0.05007 and 0.05103; TOPMed 0.05188.
gnomAD v4.1: 7,814 of 152,202 alleles (5.1%); highest among the groups gnomAD compares: Non-Finnish European, 7.5%; 256 homozygotes.

Submissions (7):

GeneDx
Classification: Benign. Last evaluated: 2018-06-19. Review status: criteria provided, single submitter. Criteria: GeneDx Variant Classification (06012015). Collection method: clinical testing. Allele origin: germline. Affected: yes.
Comment: This variant is considered likely benign or benign based on one or more of the following criteria: it is a conservative change, it occurs at a poorly conserved position in the protein, it is predicted to be benign by multiple in silico algorithms, and/or has population frequency not consistent with disease.

Dr. Peter K. Rogan Lab, Western University
No classification provided (evidence only). Condition: Acute myeloid leukemia. Review status: no classification provided. Collection method: in vitro. Allele origin: not applicable. Functional consequence: retained intron. Not counted in ClinVar's aggregate classification.

Dr. Peter K. Rogan Lab, Western University
No classification provided (evidence only). Condition: Cervical cancer. Review status: no classification provided. Collection method: in vitro. Allele origin: not applicable. Functional consequence: retained intron. Not counted in ClinVar's aggregate classification.

Dr. Peter K. Rogan Lab, Western University
No classification provided (evidence only). Condition: Sarcoma. Review status: no classification provided. Collection method: in vitro. Allele origin: not applicable. Functional consequence: retained intron. Not counted in ClinVar's aggregate classification.

Dr. Peter K. Rogan Lab, Western University
No classification provided (evidence only). Condition: Thymoma. Review status: no classification provided. Collection method: in vitro. Allele origin: not applicable. Functional consequence: retained intron. Not counted in ClinVar's aggregate classification.

Dr. Peter K. Rogan Lab, Western University
No classification provided (evidence only). Condition: Thymoma. Review status: no classification provided. Collection method: in vitro. Allele origin: not applicable. Functional consequence: retained intron. Not counted in ClinVar's aggregate classification.

Dr. Peter K. Rogan Lab, Western University
No classification provided (evidence only). Condition: Cholangiocarcinoma. Review status: no classification provided. Collection method: in vitro. Allele origin: not applicable. Functional consequence: retained intron. Not counted in ClinVar's aggregate classification.